The following is an entry in ClinVar:

ClinVar aggregate classification (germline): Likely pathogenic (1 of 4 stars; one submission).

Submission:

Mayo Clinic Laboratories, Mayo Clinic
Classification: Likely pathogenic. Last evaluated: 2020-08-18. Review status: criteria provided, single submitter. Criteria: ACMG Guidelines, 2015. Collection method: clinical testing. Allele origin: germline. Observed: 1 variant allele.
Comment: PVS1, PM2

NM_000037.4(ANK1):c.4694del (p.Asp1565fs)

Gene: ANK1 (ankyrin 1; minus strand). Cytogenetic location: 8p11.21.
Variant type: Deletion.
Coding change: c.4694del on transcript NM_000037.4 (MANE Select); coding-DNA position 4694, one base deleted (A; older notation c.4694delA).
Protein change: p.Asp1565fs; shifts the reading frame from aspartic acid 1565.
Molecular consequence: frameshift variant. On other transcripts: intron variant (1).
Genome position (GRCh38, 1-based): chr8:41,672,756, T deleted on the plus strand (A on the coding strand, the reverse complement: ANK1 is on the minus strand). VCF-style (leftmost placement, unchanged base first): chr8-41672755-GT-G. GRCh37 (hg19) VCF-style: chr8-41530273-GT-G.
Other names: c.4817del, p.Asp1606fs (NM_001142446.2); c.4694del, p.Asp1565fs (NM_020475.3, NM_020476.3); c.4538-330del (NM_020477.3); short protein forms D1565fs, D1606fs.
Identifiers: ClinVar variation 1163879 (VCV001163879.5), dbSNP rs2150563288, ClinGen allele CA2499219297.
Genomic context (GRCh38, chr8:41,672,755, plus strand): 5'-CAGAGAGGAGTCCTCAGCAGTGACCAGAGAAGGCGTGAGGCCCGCAGACCACACCTGCAT[GT>G]CAGACATCTCCAGCATGGTGTCATGCTCCGTGGCCGCCAAGGGGATGGCGTCTAGGACGG-3'